The following is an entry in ClinVar:

NM_000455.5(STK11):c.1235A>G (p.Asn412Ser)

Gene: STK11 (serine/threonine kinase 11; plus strand). Cytogenetic location: 19p13.3.
Variant type: single nucleotide variant.
Coding change: c.1235A>G on transcript NM_000455.5 (MANE Select); coding-DNA position 1235, A replaced by G.
Protein change: p.Asn412Ser; replaces asparagine 412 with serine.
Molecular consequence: missense variant.
Genome position (GRCh38, 1-based): chr19:1,226,580, A>G. VCF-style: chr19-1226580-A-G. GRCh37 (hg19) VCF-style: chr19-1226579-A-G.
Other names: short protein forms N412S.
Identifiers: ClinVar variation 184163 (VCV000184163.24), dbSNP rs786201309, ClinGen allele CA022515.

ClinVar aggregate classification (germline): Conflicting classifications of pathogenicity. Review status: criteria provided, conflicting classifications (1 of 4 stars). 7 submissions from 7 submitters: Uncertain significance (5); Benign (1); Likely benign (1). Last evaluated 2025-11-10.

Conditions:
Hereditary cancer-predisposing syndrome. Also called: Tumor predisposition; Hereditary Cancer Syndrome; Hereditary neoplastic syndrome; Neoplastic Syndromes, Hereditary. Identifiers: Orphanet 140162, MedGen C0027672, MeSH D009386, MONDO:0015356.
Melanoma, cutaneous malignant, susceptibility to, 1 (CMM1). Also called: B-K MOLE SYNDROME; MELANOMA, MALIGNANT; DYSPLASTIC NEVUS SYNDROME, HEREDITARY; FAMILIAL ATYPICAL MOLE-MALIGNANT MELANOMA SYNDROME. Identifiers: Orphanet 618, MedGen C1835047, MONDO:0007963, OMIM 155600.
Peutz-Jeghers syndrome (PJS). Also called: POLYPOSIS, HAMARTOMATOUS INTESTINAL; POLYPS-AND-SPOTS SYNDROME; Peutz-Jeghers polyposis; Periorificial lentiginosis syndrome. Identifiers: Orphanet 2869, MedGen C0031269, MeSH D010580, MONDO:0008280, OMIM 175200.

Allele frequency attached by ClinVar (database versions not stated): TOPMed below 0.00001; gnomAD 0.00001; gnomAD exomes 0.00001.
gnomAD v4.1: 3 of 1,578,420 alleles (0.00019%); highest among the groups gnomAD compares: South Asian, 0.0012%; no homozygotes.

Submissions (7):

Labcorp Genetics (formerly Invitae), Labcorp
Classification: Benign for Peutz-Jeghers syndrome. Last evaluated: 2025-11-10. Review status: criteria provided, single submitter. Criteria: Invitae Variant Classification Sherloc (09022015). Collection method: clinical testing. Allele origin: germline.

Ambry Genetics
Classification: Likely benign for Hereditary cancer-predisposing syndrome. Last evaluated: 2024-08-23. Review status: criteria provided, single submitter. Criteria: Ambry Variant Classification Scheme 2023. Collection method: clinical testing. Allele origin: germline.

Women's Health and Genetics/Laboratory Corporation of America, LabCorp
Classification: Uncertain significance. Last evaluated: 2024-07-11. Review status: criteria provided, single submitter. Criteria: LabCorp Variant Classification Summary - May 2015. Collection method: clinical testing. Allele origin: germline.

Baylor Genetics
Classification: Uncertain significance for Melanoma, cutaneous malignant, susceptibility to, 1. Last evaluated: 2023-09-06. Review status: criteria provided, single submitter. Criteria: ACMG Guidelines, 2015. Collection method: clinical testing. Allele origin: unknown.

GeneDx
Classification: Uncertain significance. Last evaluated: 2023-03-20. Review status: criteria provided, single submitter. Criteria: GeneDx Variant Classification Process June 2021. Collection method: clinical testing. Allele origin: germline. Affected: yes.
Comment: Not observed at significant frequency in large population cohorts (gnomAD); In silico analysis supports that this missense variant does not alter protein structure/function; Has not been previously published as pathogenic or benign to our knowledge

Genome-Nilou Lab
Classification: Uncertain significance for Peutz-Jeghers syndrome. Last evaluated: 2021-07-15. Review status: criteria provided, single submitter. Criteria: ACMG Guidelines, 2015. Collection method: clinical testing. Allele origin: germline. Affected: no.

Color Diagnostics, LLC DBA Color Health
Classification: Uncertain significance for Hereditary cancer-predisposing syndrome. Last evaluated: 2019-04-05. Review status: criteria provided, single submitter. Criteria: ACMG Guidelines, 2015. Collection method: clinical testing. Allele origin: germline.